The following is an entry in ClinVar:

ClinVar aggregate classification (germline): Uncertain significance (1 of 4 stars; one submission).

Submission:

Ambry Genetics
Classification: Uncertain significance. Last evaluated: 2025-08-15. Review status: criteria provided, single submitter. Criteria: Ambry Variant Classification Scheme 2023. Collection method: clinical testing. Allele origin: germline.
Comment: The p.L1488V variant (also known as c.4462C>G), located in coding exon 40 of the KIF1B gene, results from a C to G substitution at nucleotide position 4462. The leucine at codon 1488 is replaced by valine, an amino acid with highly similar properties. This amino acid position is conserved. In addition, this alteration is predicted to be tolerated by in silico analysis. Based on the available evidence, the clinical significance of this variant remains unclear.

NM_001365951.3(KIF1B):c.4600C>G (p.Leu1534Val)

Gene: KIF1B (kinesin family member 1B; plus strand). Cytogenetic location: 1p36.22.
Variant type: single nucleotide variant.
Coding change: c.4600C>G on transcript NM_001365951.3 (MANE Select); coding-DNA position 4600, C replaced by G.
Protein change: p.Leu1534Val; replaces leucine 1534 with valine.
Molecular consequence: missense variant.
Genome position (GRCh38, 1-based): chr1:10,365,496, C>G. VCF-style: chr1-10365496-C-G. GRCh37 (hg19) VCF-style: chr1-10425554-C-G.
Other names: c.4600C>G, p.Leu1534Val (NM_001365952.1); c.4462C>G, p.Leu1488Val (NM_015074.3); short protein forms L1534V, L1488V.
Identifiers: ClinVar variation 4092371 (VCV004092371.1).